The following is an entry in ClinVar:

NM_001371904.1(APOA5):c.295G>A (p.Glu99Lys)

Gene: APOA5 (apolipoprotein A5; minus strand). Cytogenetic location: 11q23.3.
Variant type: single nucleotide variant.
Coding change: c.295G>A on transcript NM_001371904.1 (MANE Select); coding-DNA position 295, G replaced by A.
Protein change: p.Glu99Lys; replaces glutamic acid 99 with lysine.
Molecular consequence: missense variant.
Genome position (GRCh38, 1-based): chr11:116,790,934, C>T on the plus strand (G>A on the coding strand, the complement: APOA5 is on the minus strand). VCF-style: chr11-116790934-C-T. GRCh37 (hg19) VCF-style: chr11-116661650-C-T.
Other names: c.295G>A (NM_052968.4); c.295G>A, p.Glu99Lys (NM_001166598.2, NM_052968.5); short protein forms E99K.
Identifiers: ClinVar variation 2076306 (VCV002076306.6), dbSNP rs138033117, ClinGen allele CA6289097.

ClinVar aggregate classification (germline): Uncertain significance. Review status: criteria provided, multiple submitters, no conflicts (2 of 4 stars). 2 submissions from 2 submitters: Uncertain significance (2). Last evaluated 2023-02-06.

Conditions:
Cardiovascular phenotype. Identifiers: MedGen CN230736.

Allele frequency attached by ClinVar (database versions not stated): ExAC 0.00002; ESP Exome Variant Server 0.00023; gnomAD 0.00001; gnomAD exomes 0.00001; TOPMed 0.00002.
gnomAD v4.1: 9 of 1,613,234 alleles (0.00056%); highest among the groups gnomAD compares: Non-Finnish European, 0.00076%; no homozygotes.

Submissions (2):

Ambry Genetics
Classification: Uncertain significance for Cardiovascular phenotype. Last evaluated: 2023-02-06. Review status: criteria provided, single submitter. Criteria: Ambry Variant Classification Scheme 2023. Collection method: clinical testing. Allele origin: germline.

Labcorp Genetics (formerly Invitae), Labcorp
Classification: Uncertain significance. Last evaluated: 2022-08-29. Review status: criteria provided, single submitter. Criteria: Invitae Variant Classification Sherloc (09022015). Collection method: clinical testing. Allele origin: germline.
Comment: In summary, the available evidence is currently insufficient to determine the role of this variant in disease. Therefore, it has been classified as a Variant of Uncertain Significance. Algorithms developed to predict the effect of missense changes on protein structure and function (SIFT, PolyPhen-2, Align-GVGD) all suggest that this variant is likely to be disruptive. This missense change has been observed in individual(s) with clinical features of autosomal dominant chylomicronemia (PMID: 30420299). This variant is present in population databases (rs138033117, gnomAD 0.002%). This sequence change replaces glutamic acid, which is acidic and polar, with lysine, which is basic and polar, at codon 99 of the APOA5 protein (p.Glu99Lys).

Literature cited by the submitters: PubMed 30420299 (cited by Labcorp Genetics (formerly Invitae), Labcorp).